The following is an entry in ClinVar:

ClinVar aggregate classification (germline): Uncertain significance (1 of 4 stars; one submission).

Submission:

Labcorp Genetics (formerly Invitae), Labcorp
Classification: Uncertain significance. Last evaluated: 2022-03-10. Review status: criteria provided, single submitter. Criteria: Invitae Variant Classification Sherloc (09022015). Collection method: clinical testing. Allele origin: germline.
Comment: In summary, the available evidence is currently insufficient to determine the role of this variant in disease. Therefore, it has been classified as a Variant of Uncertain Significance. Algorithms developed to predict the effect of missense changes on protein structure and function are either unavailable or do not agree on the potential impact of this missense change (SIFT: "Deleterious"; PolyPhen-2: "Probably Damaging"; Align-GVGD: "Class C15"). This variant has not been reported in the literature in individuals affected with HMCN1-related conditions. This variant is not present in population databases (gnomAD no frequency). This sequence change replaces threonine, which is neutral and polar, with isoleucine, which is neutral and non-polar, at codon 2975 of the HMCN1 protein (p.Thr2975Ile).

NM_031935.3(HMCN1):c.8924C>T (p.Thr2975Ile)

Gene: HMCN1 (hemicentin 1; plus strand). Cytogenetic location: 1q31.1.
Variant type: single nucleotide variant.
Coding change: c.8924C>T on transcript NM_031935.3 (MANE Select); coding-DNA position 8924, C replaced by T.
Protein change: p.Thr2975Ile; replaces threonine 2975 with isoleucine.
Molecular consequence: missense variant.
Genome position (GRCh38, 1-based): chr1:186,086,285, C>T. VCF-style: chr1-186086285-C-T. GRCh37 (hg19) VCF-style: chr1-186055417-C-T.
Other names: short protein forms T2975I.
Identifiers: ClinVar variation 2108205 (VCV002108205.4), dbSNP rs2527884782, ClinGen allele CA343917218.